The following is an entry in ClinVar:

ClinVar aggregate classification (germline): Uncertain significance (1 of 4 stars; one submission).

Submission:

Ambry Genetics
Classification: Uncertain significance. Last evaluated: 2023-01-30. Review status: criteria provided, single submitter. Criteria: Ambry Variant Classification Scheme 2023. Collection method: clinical testing. Allele origin: germline.
Comment: The c.126dupA variant, located in coding exon 3 of the RINT1 gene, results from a duplication of A at nucleotide position 126, causing a translational frameshift with a predicted alternate stop codon (p.V43Sfs*3). The predicted stop codon occurs in the 5&rsquo; end of theRINT1 gene. Premature termination codons in the 5&rsquo; end of a gene have been reported to escape nonsense-mediated mRNAdecay and/or lead to re-initiation (Rivas et al. Science. 2015 May 8;348(6235):666-9; Lindeboom et al. Nat Genet. 2016 Oct;48(10):1112-8; Rhee et al. Sci Rep. 2017 May 10;7(1):1653). The exact functional effect of this alteration is unknown. The evidence for this gene-disease relationship is limited; therefore, the clinical significance of this alteration is unclear.

NM_021930.6(RINT1):c.126dup (p.Val43fs)

Gene: RINT1 (RAD50 interactor 1; plus strand). Cytogenetic location: 7q22.3.
Variant type: Duplication.
Coding change: c.126dup on transcript NM_021930.6 (MANE Select); coding-DNA position 126, one base duplicated (A; older notation c.126dupA).
Protein change: p.Val43fs; shifts the reading frame from valine 43.
Molecular consequence: frameshift variant. On other transcripts: 5 prime UTR variant (3), non-coding transcript variant (1).
Genome position (GRCh38, 1-based): chr7:105,536,602, A duplicated; the last of 2 consecutive A bases (chr7:105,536,601-105,536,602); duplicating either gives the same sequence. VCF-style (leftmost placement, unchanged base first): chr7-105536600-C-CA. GRCh37 (hg19) VCF-style: chr7-105177047-C-CA.
Other names: c.29dup, p.Ser11fs (NM_001346599.2); c.-894dup (NM_001346600.2); c.-797dup (NM_001346601.2); c.-417dup (NM_001346603.2); short protein forms S11fs, V43fs.
Identifiers: ClinVar variation 2448415 (VCV002448415.2), dbSNP rs2485099643, ClinGen allele CA2580076098.
Genomic context (GRCh38, chr7:105,536,600, plus strand): 5'-AGTAATTGTTATTCTTTTGTTGTAGGTGACATAAATGTTACAGTTCTTATTGGAAGTAAA[C>CA]AAGTCAGTGAAGGTACAGATAATGGTGATCTCCCTTCTTATGTGTCTGCATTCATAGAAA-3'